The following is an entry in ClinVar:

NM_025114.4(CEP290):c.6645del (p.Glu2216fs)

Gene: CEP290 (centrosomal protein 290; minus strand). Cytogenetic location: 12q21.32.
Variant type: Deletion.
Coding change: c.6645del on transcript NM_025114.4 (MANE Select); coding-DNA position 6645, one base deleted (A; older notation c.6645delA).
Protein change: p.Glu2216fs; shifts the reading frame from glutamic acid 2216.
Molecular consequence: frameshift variant.
Genome position (GRCh38, 1-based): chr12:88,059,898, T deleted on the plus strand (A on the coding strand, the reverse complement: CEP290 is on the minus strand); the first of 6 consecutive T bases (chr12:88,059,898-88,059,903); deleting any one gives the same sequence. VCF-style (leftmost placement, unchanged base first): chr12-88059897-CT-C. GRCh37 (hg19) VCF-style: chr12-88453674-CT-C.
Other names: short protein forms E2216fs.
Identifiers: ClinVar variation 1070890 (VCV001070890.9), dbSNP rs2136724878, ClinGen allele CA645592944.

ClinVar aggregate classification (germline): Pathogenic (1 of 4 stars; one submission).

Conditions:
Joubert syndrome. Also called: Familial aplasia of the vermis; CEREBELLOPARENCHYMAL DISORDER IV; JOUBERT-BOLTSHAUSER SYNDROME. Identifiers: Orphanet 475, MedGen C5979921, MONDO:0018772.
Meckel-Gruber syndrome. Also called: Dysencephalia splachnocystica; DYSENCEPHALIA SPLANCHNOCYSTICA; GRUBER SYNDROME. Identifiers: Orphanet 564, MedGen C0265215, MONDO:0018921.
Nephronophthisis. Also called: Juvenile Nephronophthisis. Identifiers: Orphanet 655, MedGen C0687120, MONDO:0019005, HP:0000090.

Submission:

Labcorp Genetics (formerly Invitae), Labcorp
Classification: Pathogenic for Joubert syndrome; Meckel-Gruber syndrome; Nephronophthisis. Last evaluated: 2020-07-28. Review status: criteria provided, single submitter. Criteria: Invitae Variant Classification Sherloc (09022015). Collection method: clinical testing. Allele origin: germline.
Comment: This variant is not present in population databases (ExAC no frequency). Algorithms developed to predict the effect of sequence changes on RNA splicing suggest that this variant may disrupt the consensus splice site, but this prediction has not been confirmed by published transcriptional studies. This variant has been observed in individual(s) with Leber congenital amaurosis (PMID: 27375279). This sequence change creates a premature translational stop signal (p.Glu2216Lysfs*10) in the CEP290 gene. It is expected to result in an absent or disrupted protein product. For these reasons, this variant has been classified as Pathogenic. Loss-of-function variants in CEP290 are known to be pathogenic (PMID: 16909394, 17345604, 20690115, 25377065, 28559085).

Literature cited by the submitters: PubMed 27375279; PubMed 16909394; PubMed 17345604; PubMed 20690115; PubMed 25377065; PubMed 28559085.